The following is an entry in ClinVar:

NM_152515.5(CKAP2L):c.1632A>G (p.Ile544Met)

Gene: CKAP2L (cytoskeleton associated protein 2 like; minus strand). Cytogenetic location: 2q14.1.
Variant type: single nucleotide variant.
Coding change: c.1632A>G on transcript NM_152515.5 (MANE Select); coding-DNA position 1632, A replaced by G.
Protein change: p.Ile544Met; replaces isoleucine 544 with methionine.
Molecular consequence: missense variant. On other transcripts: non-coding transcript variant (1).
Genome position (GRCh38, 1-based): chr2:112,746,546, T>C on the plus strand (A>G on the coding strand, the complement: CKAP2L is on the minus strand). VCF-style: chr2-112746546-T-C. GRCh37 (hg19) VCF-style: chr2-113504123-T-C.
Other names: c.1137A>G, p.Ile379Met (NM_001304361.2); short protein forms I544M, I379M.
Identifiers: ClinVar variation 3674777 (VCV003674777.2).

ClinVar aggregate classification (germline): Uncertain significance (1 of 4 stars; one submission).

gnomAD v4.1: 7 of 1,611,684 alleles (0.00043%); highest among the groups gnomAD compares: Non-Finnish European, 0.00051%; no homozygotes.

Submission:

Labcorp Genetics (formerly Invitae), Labcorp
Classification: Uncertain significance. Last evaluated: 2024-11-04. Review status: criteria provided, single submitter. Criteria: Invitae Variant Classification Sherloc (09022015). Collection method: clinical testing. Allele origin: germline.
Comment: This sequence change replaces isoleucine, which is neutral and non-polar, with methionine, which is neutral and non-polar, at codon 544 of the CKAP2L protein (p.Ile544Met). This variant is not present in population databases (gnomAD no frequency). This variant has not been reported in the literature in individuals affected with CKAP2L-related conditions. Invitae Evidence Modeling of protein sequence and biophysical properties (such as structural, functional, and spatial information, amino acid conservation, physicochemical variation, residue mobility, and thermodynamic stability) has been performed for this missense variant. However, the output from this modeling did not meet the statistical confidence thresholds required to predict the impact of this variant on CKAP2L protein function. In summary, the available evidence is currently insufficient to determine the role of this variant in disease. Therefore, it has been classified as a Variant of Uncertain Significance.